The following is an entry in ClinVar:

ClinVar aggregate classification (germline): Likely benign. Review status: criteria provided, single submitter (1 of 4 stars). 2 submissions from 2 submitters: Likely benign (1). 1 of the submissions does not count toward it. Last evaluated 2025-03-11.

Conditions:
Autosomal recessive limb-girdle muscular dystrophy type 2P. Also called: MUSCULAR DYSTROPHY, LIMB-GIRDLE, TYPE 2P; Limb-Girdle Muscular Dystrophy Type 9C; MUSCULAR DYSTROPHY-DYSTROGLYCANOPATHY, LIMB-GIRDLE, DAG1-RELATED. Identifiers: Orphanet 280333, MedGen C4511963, MONDO:0013440, OMIM 613818.
Muscular dystrophy-dystroglycanopathy (congenital with brain and eye anomalies), type A9. Also called: Muscular dystrophy-dystroglycanopathy (congenital with brain and eye anomalies), type a, 9; WALKER-WARBURG SYNDROME OR MUSCLE-EYE BRAIN DISEASE, DAG1-RELATED. Identifiers: Orphanet 370997, Orphanet 899, MedGen C4225291, MONDO:0014683, OMIM 616538.
DAG1-related disorder. Also called: DAG1-related condition.

Allele frequency attached by ClinVar (database versions not stated): gnomAD exomes 0.00019 and 0.00006; 1000 Genomes Project 0.00020; 1000 Genomes Project 30x 0.00016; ExAC 0.00026; gnomAD below 0.00001 and 0.00002; TOPMed below 0.00001.
gnomAD v4.1: 95 of 1,614,134 alleles (0.0059%); highest among the groups gnomAD compares: South Asian, 0.094%; no homozygotes.

Submissions (2):

Labcorp Genetics (formerly Invitae), Labcorp
Classification: Likely benign for Autosomal recessive limb-girdle muscular dystrophy type 2P; Muscular dystrophy-dystroglycanopathy (congenital with brain and eye anomalies), type A9. Last evaluated: 2025-03-11. Review status: criteria provided, single submitter. Criteria: Invitae Variant Classification Sherloc (09022015). Collection method: clinical testing. Allele origin: germline.

PreventionGenetics, part of Exact Sciences
Classification: Likely benign for DAG1-related condition. Last evaluated: 2019-03-25. Review status: no assertion criteria provided. Collection method: clinical testing. Allele origin: germline. Not counted in ClinVar's aggregate classification.
Comment: This variant is classified as likely benign based on ACMG/AMP sequence variant interpretation guidelines (Richards et al. 2015 PMID: 25741868, with internal and published modifications).

NM_004393.6(DAG1):c.2352C>T (p.Thr784=)

Gene: DAG1 (dystroglycan 1; plus strand). Cytogenetic location: 3p21.31.
Variant type: single nucleotide variant.
Coding change: c.2352C>T on transcript NM_004393.6 (MANE Select); coding-DNA position 2352, C replaced by T.
Protein change: p.Thr784=; no amino-acid change (threonine 784 retained).
Molecular consequence: synonymous variant.
Genome position (GRCh38, 1-based): chr3:49,532,863, C>T. VCF-style: chr3-49532863-C-T. GRCh37 (hg19) VCF-style: chr3-49570296-C-T.
Other names: c.2352C>T, p.Thr784= (NM_001165928.4, NM_001177634.3, NM_001177635.3 and 9 more transcripts); c.2352C>T (NM_001165928.3).
Identifiers: ClinVar variation 750609 (VCV000750609.9), dbSNP rs553722437, ClinGen allele CA2399251.